The following is an entry in ClinVar:

ClinVar aggregate classification (germline): Uncertain significance. Review status: criteria provided, multiple submitters, no conflicts (2 of 4 stars). 2 submissions from 2 submitters: Uncertain significance (2). Last evaluated 2026-02-14.

Conditions:
Familial isolated arrhythmogenic right ventricular dysplasia. Identifiers: Orphanet 217656, MedGen C4274968, MONDO:0016342.

gnomAD v4.1: 8 of 1,613,528 alleles (0.0005%); highest among the groups gnomAD compares: Non-Finnish European, 0.00068%; no homozygotes.

Submissions (2):

GeneDx
Classification: Uncertain significance. Last evaluated: 2026-02-14. Review status: criteria provided, single submitter. Criteria: GeneDx Variant Classification Process June 2021. Collection method: clinical testing. Allele origin: germline.
Comment: Not observed at significant frequency in large population cohorts (gnomAD); In silico analysis supports that this missense variant has a deleterious effect on protein structure/function; Has not been previously published as pathogenic or benign to our knowledge

All of Us Research Program, National Institutes of Health
Classification: Uncertain significance for Familial isolated arrhythmogenic right ventricular dysplasia. Last evaluated: 2023-12-13. Review status: criteria provided, single submitter. Criteria: ACMG Guidelines, 2015. Collection method: clinical testing. Allele origin: germline. Inheritance: Autosomal dominant inheritance. Observed: 1 variant allele, 1 heterozygote.
Comment: This missense variant replaces phenylalanine with valine at codon 355 of the DSC2 protein. Computational prediction suggests that this variant may not impact protein structure and function (internally defined REVEL score threshold <= 0.5, PMID: 27666373). To our knowledge, functional studies have not been reported for this variant. This variant has not been reported in individuals affected with DSC2-related disorders in the literature. This variant has not been identified in the general population by the Genome Aggregation Database (gnomAD). The available evidence is insufficient to determine the role of this variant in disease conclusively. Therefore, this variant is classified as a Variant of Uncertain Significance.

This study involves interpretation of variants in research participants for the purpose of population health screening. Participant phenotype was not available at the time of variant classification. Additional details can be found in publication PMID: 35346344, PMCID: PMC8962531

NM_024422.6(DSC2):c.1063T>G (p.Phe355Val)

Gene: DSC2 (desmocollin 2; minus strand). Cytogenetic location: 18q12.1.
Variant type: single nucleotide variant.
Coding change: c.1063T>G on transcript NM_024422.6 (MANE Select); coding-DNA position 1063, T replaced by G.
Protein change: p.Phe355Val; replaces phenylalanine 355 with valine.
Molecular consequence: missense variant.
Genome position (GRCh38, 1-based): chr18:31,082,940, A>C on the plus strand (T>G on the coding strand, the complement: DSC2 is on the minus strand). VCF-style: chr18-31082940-A-C. GRCh37 (hg19) VCF-style: chr18-28662906-A-C.
Other names: c.634T>G, p.Phe212Val (NM_001406506.1, NM_001406507.1); c.1063T>G, p.Phe355Val (NM_004949.5); c.1063T>G (NM_024422.3); short protein forms F212V, F355V.
Identifiers: ClinVar variation 3074753 (VCV003074753.2), dbSNP rs2510948855, ClinGen allele CA402110368.